The following is an entry in ClinVar:

NM_018089.3(ANKZF1):c.558+5G>A

Gene: ANKZF1 (ankyrin repeat and zinc finger peptidyl tRNA hydrolase 1; plus strand). Cytogenetic location: 2q35.
Variant type: single nucleotide variant.
Coding change: c.558+5G>A on transcript NM_018089.3 (MANE Select); 5 bases into the intron after coding-DNA position 558, G replaced by A.
Molecular consequence: intron variant.
Genome position (GRCh38, 1-based): chr2:219,232,688, G>A. VCF-style: chr2-219232688-G-A. GRCh37 (hg19) VCF-style: chr2-220097410-G-A.
Other names: c.558+5G>A (NM_001042410.2); c.-73+5G>A (NM_001282792.2).
Identifiers: ClinVar variation 1896942 (VCV001896942.5), dbSNP rs527515384, ClinGen allele CA2120772.
Genomic context (GRCh38, chr2:219,232,688, plus strand): 5'-AGAATGCCCAGGGCCAGTTTCTTTATGCCTACCGCTGTGTCCTAGGCCCTCATCAGGCAA[G>A]TGACAGTACAGGTTGCATGGCTAACCCCAGCCTTTTGTACACCCAGCCTAGATTTCCCTT-3'

ClinVar aggregate classification (germline): Uncertain significance (1 of 4 stars; one submission).

Allele frequency attached by ClinVar (database versions not stated): gnomAD exomes 0.00001; ExAC 0.00003; gnomAD 0.00007; TOPMed 0.00007; 1000 Genomes Project 0.00020; 1000 Genomes Project 30x 0.00031.
gnomAD v4.1: 20 of 1,613,218 alleles (0.0012%); highest among the groups gnomAD compares: African/African-American, 0.025%; no homozygotes.

Submission:

Labcorp Genetics (formerly Invitae), Labcorp
Classification: Uncertain significance. Last evaluated: 2025-10-08. Review status: criteria provided, single submitter. Criteria: Invitae Variant Classification Sherloc (09022015). Collection method: clinical testing. Allele origin: germline.
Comment: This sequence change falls in intron 5 of the ANKZF1 gene. It does not directly change the encoded amino acid sequence of the ANKZF1 protein. It affects a nucleotide within the consensus splice site. This variant is present in population databases (rs527515384, gnomAD 0.02%). This variant has not been reported in the literature in individuals affected with ANKZF1-related conditions. ClinVar contains an entry for this variant (Variation ID: 1896942). Variants that disrupt the consensus splice site are a relatively common cause of aberrant splicing (PMID: 17576681, 9536098). Algorithms developed to predict the effect of sequence changes on RNA splicing suggest that this variant may disrupt the consensus splice site. In summary, the available evidence is currently insufficient to determine the role of this variant in disease. Therefore, it has been classified as a Variant of Uncertain Significance.

Literature cited by the submitters: PubMed 17576681; PubMed 9536098.